The following is an entry in ClinVar:

ClinVar aggregate classification (germline): Uncertain significance (1 of 4 stars; one submission).

Conditions:
L-2-hydroxyglutaric aciduria (L2HGA). Identifiers: Orphanet 79314, MedGen C1855995, MONDO:0009370, OMIM 236792, HP:0040144.

Allele frequency attached by ClinVar (database versions not stated): gnomAD exomes below 0.00001; TOPMed 0.00001; gnomAD 0.00002.

Submission:

Labcorp Genetics (formerly Invitae), Labcorp
Classification: Uncertain significance for L-2-hydroxyglutaric aciduria. Last evaluated: 2024-04-17. Review status: criteria provided, single submitter. Criteria: Invitae Variant Classification Sherloc (09022015). Collection method: clinical testing. Allele origin: germline.
Comment: This sequence change replaces proline, which is neutral and non-polar, with threonine, which is neutral and polar, at codon 317 of the L2HGDH protein (p.Pro317Thr). This variant is present in population databases (rs762791811, gnomAD 0.008%). This variant has not been reported in the literature in individuals affected with L2HGDH-related conditions. ClinVar contains an entry for this variant (Variation ID: 1484971). Advanced modeling of protein sequence and biophysical properties (such as structural, functional, and spatial information, amino acid conservation, physicochemical variation, residue mobility, and thermodynamic stability) performed at Invitae indicates that this missense variant is expected to disrupt L2HGDH protein function with a positive predictive value of 80%. In summary, the available evidence is currently insufficient to determine the role of this variant in disease. Therefore, it has been classified as a Variant of Uncertain Significance.

NM_024884.3(L2HGDH):c.949C>A (p.Pro317Thr)

Gene: L2HGDH (L-2-hydroxyglutarate dehydrogenase; minus strand). Cytogenetic location: 14q21.3.
Variant type: single nucleotide variant.
Coding change: c.949C>A on transcript NM_024884.3 (MANE Select); coding-DNA position 949, C replaced by A.
Protein change: p.Pro317Thr; replaces proline 317 with threonine.
Molecular consequence: missense variant.
Genome position (GRCh38, 1-based): chr14:50,267,868, G>T on the plus strand (C>A on the coding strand, the complement: L2HGDH is on the minus strand). VCF-style: chr14-50267868-G-T. GRCh37 (hg19) VCF-style: chr14-50734586-G-T.
Other names: short protein forms P317T.
Identifiers: ClinVar variation 1484971 (VCV001484971.8), dbSNP rs762791811, ClinGen allele CA7177831.